The following is an entry in ClinVar:

ClinVar aggregate classification (germline): Uncertain significance. Review status: criteria provided, multiple submitters, no conflicts (2 of 4 stars). 3 submissions from 3 submitters: Uncertain significance (3). Last evaluated 2024-01-01.

Conditions:
SMAD6-related disease. Also called: SMAD6-related condition; SMAD6-related disorder. Identifiers: MedGen CN381596, MONDO:0700324.
Inborn genetic diseases. Identifiers: MedGen C0950123, MeSH D030342.
Aortic valve disease 2 (AOVD2). Identifiers: MedGen C3542024, MONDO:0013902, OMIM 614823.

Allele frequency attached by ClinVar (database versions not stated): gnomAD 0.00001; gnomAD exomes below 0.00001; TOPMed below 0.00001.
gnomAD v4.1: 3 of 1,602,372 alleles (0.00019%); highest among the groups gnomAD compares: Non-Finnish European, 0.00025%; no homozygotes.

Submissions (3):

Daryl Scott Lab, Baylor College of Medicine
Classification: Uncertain significance for SMAD6-related disorder. Last evaluated: 2024-01-01. Review status: criteria provided, single submitter. Criteria: ACMG Guidelines, 2015. Collection method: clinical testing. Allele origin: maternal. Observed: 1 heterozygote.
Comment: PM2, PP3

Ambry Genetics
Classification: Uncertain significance for Inborn genetic diseases. Last evaluated: 2022-05-24. Review status: criteria provided, single submitter. Criteria: Ambry Variant Classification Scheme 2023. Collection method: clinical testing. Allele origin: germline.
Comment: The p.Y336H variant (also known as c.1006T>C), located in coding exon 4 of the SMAD6 gene, results from a T to C substitution at nucleotide position 1006. The tyrosine at codon 336 is replaced by histidine, an amino acid with similar properties. This amino acid position is conserved. In addition, this alteration is predicted to be deleterious by in silico analysis. Since supporting evidence is limited at this time, the clinical significance of this alteration remains unclear.

Baylor Genetics
Classification: Uncertain significance for Aortic valve disease 2. Last evaluated: 2020-09-11. Review status: criteria provided, single submitter. Criteria: ACMG Guidelines, 2015. Collection method: clinical testing. Allele origin: maternal. Affected: yes.
Comment: This variant was determined to be of uncertain significance according to ACMG Guidelines, 2015 [PMID:25741868].

NM_005585.5(SMAD6):c.1006T>C (p.Tyr336His)

Gene: SMAD6 (SMAD family member 6; plus strand). Cytogenetic location: 15q22.31.
Variant type: single nucleotide variant.
Coding change: c.1006T>C on transcript NM_005585.5 (MANE Select); coding-DNA position 1006, T replaced by C.
Protein change: p.Tyr336His; replaces tyrosine 336 with histidine.
Molecular consequence: missense variant. On other transcripts: non-coding transcript variant (1).
Genome position (GRCh38, 1-based): chr15:66,781,050, T>C. VCF-style: chr15-66781050-T-C. GRCh37 (hg19) VCF-style: chr15-67073388-T-C.
Other names: short protein forms Y336H.
Identifiers: ClinVar variation 1028400 (VCV001028400.4), dbSNP rs1894552779, ClinGen allele CA393201659.